The following is an entry in ClinVar:

ClinVar aggregate classification (germline): Uncertain significance (1 of 4 stars; one submission).

Conditions:
Ullrich congenital muscular dystrophy 2 (UCMD2). Identifiers: Orphanet 75840, MedGen C4225314, MONDO:0014654, OMIM 616470.
Bethlem myopathy 2 (BTHLM2). Identifiers: Orphanet 536516, Orphanet 610, MedGen C4225313, MONDO:0034022, OMIM 616471.

Submission:

Labcorp Genetics (formerly Invitae), Labcorp
Classification: Uncertain significance for Bethlem myopathy 2; Ullrich congenital muscular dystrophy 2. Last evaluated: 2025-04-07. Review status: criteria provided, single submitter. Criteria: Invitae Variant Classification Sherloc (09022015). Collection method: clinical testing. Allele origin: germline.
Comment: This sequence change replaces serine, which is neutral and polar, with threonine, which is neutral and polar, at codon 738 of the COL12A1 protein (p.Ser738Thr). This variant is not present in population databases (gnomAD no frequency). This variant has not been reported in the literature in individuals affected with COL12A1-related conditions. ClinVar contains an entry for this variant (Variation ID: 1060818). Invitae Evidence Modeling of protein sequence and biophysical properties (such as structural, functional, and spatial information, amino acid conservation, physicochemical variation, residue mobility, and thermodynamic stability) indicates that this missense variant is not expected to disrupt COL12A1 protein function with a negative predictive value of 80%. In summary, the available evidence is currently insufficient to determine the role of this variant in disease. Therefore, it has been classified as a Variant of Uncertain Significance.

NM_004370.6(COL12A1):c.2213G>C (p.Ser738Thr)

Gene: COL12A1 (collagen type XII alpha 1 chain; minus strand). Cytogenetic location: 6q13.
Variant type: single nucleotide variant.
Coding change: c.2213G>C on transcript NM_004370.6 (MANE Select); coding-DNA position 2213, G replaced by C.
Protein change: p.Ser738Thr; replaces serine 738 with threonine.
Molecular consequence: missense variant. On other transcripts: intron variant (1).
Genome position (GRCh38, 1-based): chr6:75,177,887, C>G on the plus strand (G>C on the coding strand, the complement: COL12A1 is on the minus strand). VCF-style: chr6-75177887-C-G. GRCh37 (hg19) VCF-style: chr6-75887603-C-G.
Other names: c.73+24833G>C (NM_080645.3); short protein forms S738T.
Identifiers: ClinVar variation 1060818 (VCV001060818.9), dbSNP rs750973541, ClinGen allele CA364764452.